The following is an entry in ClinVar:

ClinVar aggregate classification (germline): Uncertain significance (1 of 4 stars; one submission).

Conditions:
Hereditary pancreatitis (PCTT). Also called: Hereditary chronic pancreatitis; PRSS1-Related Hereditary Pancreatitis. Identifiers: Orphanet 676, MedGen C0238339, MONDO:0008185, OMIM 167800.

Submission:

Ambry Genetics
Classification: Uncertain significance for Hereditary pancreatitis. Last evaluated: 2024-05-02. Review status: criteria provided, single submitter. Criteria: Ambry Variant Classification Scheme 2023. Collection method: clinical testing. Allele origin: germline.
Comment: The p.N222I variant (also known as c.665A>T), located in coding exon 6 of the CPA1 gene, results from an A to T substitution at nucleotide position 665. The asparagine at codon 222 is replaced by isoleucine, an amino acid with dissimilar properties. This amino acid position is conserved. In addition, the in silico prediction for this alteration is inconclusive. Based on the available evidence, the clinical significance of this variant remains unclear.

NM_001868.4(CPA1):c.665A>T (p.Asn222Ile)

Gene: CPA1 (carboxypeptidase A1; plus strand). Cytogenetic location: 7q32.2.
Variant type: single nucleotide variant.
Coding change: c.665A>T on transcript NM_001868.4 (MANE Select); coding-DNA position 665, A replaced by T.
Protein change: p.Asn222Ile; replaces asparagine 222 with isoleucine.
Molecular consequence: missense variant.
Genome position (GRCh38, 1-based): chr7:130,383,763, A>T. VCF-style: chr7-130383763-A-T. GRCh37 (hg19) VCF-style: chr7-130023604-A-T.
Other names: short protein forms N222I.
Identifiers: ClinVar variation 3269090 (VCV003269090.1).